The following is an entry in ClinVar:

NM_001111125.3(IQSEC2):c.4027_4030dup (p.Arg1344fs)

Gene: IQSEC2 (IQ motif and Sec7 domain ArfGEF 2; minus strand). Cytogenetic location: Xp11.22.
Variant type: Duplication.
Coding change: c.4027_4030dup on transcript NM_001111125.3 (MANE Select); coding-DNA positions 4027 to 4030, 4 bases duplicated (CCCA; older notation c.4027_4030dupCCCA).
Protein change: p.Arg1344fs; shifts the reading frame from arginine 1344.
Molecular consequence: frameshift variant. On other transcripts: 3 prime UTR variant (1).
Genome position (GRCh38, 1-based): chrX:53,234,656-53,234,659, TGGG duplicated on the plus strand (CCCA on the coding strand, the reverse complement: IQSEC2 is on the minus strand); duplicating any 4 consecutive bases within chrX:53,234,656-53,234,661 gives the same sequence; the c. name uses the placement nearest the transcript's 3' end. VCF-style (leftmost placement, unchanged base first): chrX-53234655-C-CTGGG. GRCh37 (hg19) VCF-style: chrX-53263837-C-CTGGG.
Other names: c.*512_*515dup (NM_015075.2); short protein forms R1344fs.
Identifiers: ClinVar variation 418989 (VCV000418989.2), dbSNP rs1064793569, ClinGen allele CA16621438.

ClinVar aggregate classification (germline): Pathogenic (1 of 4 stars; one submission).

Submission:

GeneDx
Classification: Pathogenic. Last evaluated: 2015-04-29. Review status: criteria provided, single submitter. Criteria: GeneDx Variant Classification (06012015). Collection method: clinical testing. Allele origin: germline. Affected: yes.
Comment: The c.4027_4030dupCCCA variant in the IQSEC2 gene has not been reported previously as a pathogenic variant nor as a benign polymorphism, to our knowledge. The c.4027_4030dupCCCA duplication causes a frameshift starting with codon Arginine 1344, changes this amino acid to a Threonine residue andcreates a premature Stop codon at position 44 of the new reading frame, denoted p.Arg1344ThrfsX44.This duplication is predicted to cause loss of normal protein function through protein truncation. Thec.4027_4030dupCCCA variant was not observed in approximately 2200 individuals of European andAfrican American ancestry in the NHLBI Exome Sequencing Project, indicating it is not a common benignvariant in these populations. We interpret c.4027_4030dupCCCA as a pathogenic variant.